The following is an entry in ClinVar:

ClinVar aggregate classification (germline): Uncertain significance (1 of 4 stars; one submission).

Conditions:
3M syndrome 2. Also called: THREE M SYNDROME 2; 3-M Syndrome, OBSL1-Related. Identifiers: Orphanet 2616, MedGen C2752041, MONDO:0013039, OMIM 612921.

gnomAD v4.1: 1 of 1,612,848 alleles (0.000062%); no homozygotes.

Submission:

Juno Genomics, Hangzhou Juno Genomics, Inc
Classification: Uncertain significance for 3M syndrome 2. Review status: criteria provided, single submitter. Criteria: ACMG Guidelines, 2015. Collection method: clinical testing. Allele origin: germline. Affected: yes.
Comment: Absent from controls (or at extremely low frequency if recessive) in Genome Aggregation Database, Exome Sequencing Project, 1000 Genomes Project, or Exome Aggregation Consortium.;Patient's phenotype or family history is highly specific for a disease with a single genetic etiology.;Multiple lines of computational evidence suggest no impact on gene or gene product (conservation, evolutionary, splicing impact, etc).

NM_015311.3(OBSL1):c.2375G>A (p.Gly792Glu)

Gene: OBSL1 (obscurin like cytoskeletal adaptor 1; minus strand). Cytogenetic location: 2q35.
Variant type: single nucleotide variant.
Coding change: c.2375G>A on transcript NM_015311.3 (MANE Select); coding-DNA position 2375, G replaced by A.
Protein change: p.Gly792Glu; replaces glycine 792 with glutamic acid.
Molecular consequence: missense variant.
Genome position (GRCh38, 1-based): chr2:219,565,274, C>T on the plus strand (G>A on the coding strand, the complement: OBSL1 is on the minus strand). VCF-style: chr2-219565274-C-T. GRCh37 (hg19) VCF-style: chr2-220429996-C-T.
Other names: c.2375G>A, p.Gly792Glu (NM_001173408.2, NM_001173431.2); short protein forms G792E.
Identifiers: ClinVar variation 3383014 (VCV003383014.2).